The following is an entry in ClinVar:

NM_006424.3(SLC34A2):c.1613_1616del (p.Phe537_Phe538insTer)

Gene: SLC34A2 (solute carrier family 34 member 2; plus strand). Cytogenetic location: 4p15.2.
Variant type: Deletion.
Coding change: c.1613_1616del on transcript NM_006424.3 (MANE Select); coding-DNA positions 1613 to 1616, 4 bases deleted (TCCT; older notation c.1613_1616delTCCT).
Protein change: p.Phe537_Phe538insTer.
Molecular consequence: nonsense.
Genome position (GRCh38, 1-based): chr4:25,676,289-25,676,292, TCCT deleted; deleting any 4 consecutive bases within chr4:25,676,287-25,676,292 gives the same sequence; the c. name uses the placement nearest the transcript's 3' end. VCF-style (leftmost placement, unchanged base first): chr4-25676286-TCTTC-T. GRCh37 (hg19) VCF-style: chr4-25677908-TCTTC-T.
Other names: c.1610_1613del, p.Phe536_Phe537insTer (NM_001177998.2, NM_001177999.2).
Identifiers: ClinVar variation 4293888 (VCV004293888.1).

ClinVar aggregate classification (germline): Likely pathogenic (1 of 4 stars; one submission).

Conditions:
PULMONARY ALVEOLAR MICROLITHIASIS. Identifiers: Orphanet 60025, MedGen C0155912, MONDO:0009928, OMIM 265100.

Submission:

3billion
Classification: Likely pathogenic for PULMONARY ALVEOLAR MICROLITHIASIS. Last evaluated: 2024-06-07. Review status: criteria provided, single submitter. Criteria: ACMG Guidelines, 2015. Collection method: clinical testing. Allele origin: germline. Affected: yes.
Comment: The variant is not observed in the gnomAD v4.0.0 dataset. Predicted Consequence/Location: Stop-gained (nonsense): predicted to result in a loss or disruption of normal protein function through protein truncation. The predicted truncated protein may be shortened by more than 10%. Therefore, this variant is classified as Likely pathogenic according to the recommendation of ACMG/AMP guideline.